The following is an entry in ClinVar:

ClinVar aggregate classification (germline): Likely benign. Review status: criteria provided, multiple submitters, no conflicts (2 of 4 stars). 5 submissions from 5 submitters: Likely benign (3). 2 of the submissions do not count toward it. Last evaluated 2025-12-26.

Conditions:
Myopathy, lactic acidosis, and sideroblastic anemia 1 (MLASA1). Identifiers: Orphanet 2598, MedGen C4551958, MONDO:0024553, OMIM 600462.
PUS1-related disorder. Also called: PUS1-related condition.

Allele frequency attached by ClinVar (database versions not stated): gnomAD 0.00005 and 0.00007; TOPMed 0.00005; ESP Exome Variant Server 0.00008.
gnomAD v4.1: 142 of 1,614,020 alleles (0.0088%); highest among the groups gnomAD compares: Middle Eastern, 0.082%; no homozygotes.

Submissions (5):

Labcorp Genetics (formerly Invitae), Labcorp
Classification: Likely benign. Last evaluated: 2025-12-26. Review status: criteria provided, single submitter. Criteria: Invitae Variant Classification Sherloc (09022015). Collection method: clinical testing. Allele origin: germline.

CeGaT Center for Human Genetics Tuebingen
Classification: Likely benign. Last evaluated: 2025-02-01. Review status: criteria provided, single submitter. Criteria: CeGaT Center For Human Genetics Tuebingen Variant Classification Criteria Version 2. Collection method: clinical testing. Allele origin: germline. Affected: yes. Observed: 3 variant alleles.
Comment: PUS1: BP4, BP7

Blueprint Genetics
Classification: Likely benign. Last evaluated: 2024-09-12. Review status: criteria provided, single submitter. Criteria: ACMG Guidelines, 2015. Collection method: clinical testing. Allele origin: germline.

PreventionGenetics, part of Exact Sciences
Classification: Likely benign for PUS1-related condition. Last evaluated: 2023-11-16. Review status: no assertion criteria provided. Collection method: clinical testing. Allele origin: germline. Not counted in ClinVar's aggregate classification.
Comment: This variant is classified as likely benign based on ACMG/AMP sequence variant interpretation guidelines (Richards et al. 2015 PMID: 25741868, with internal and published modifications).

Natera, Inc.
Classification: Likely benign for Myopathy, lactic acidosis, and sideroblastic anemia 1. Last evaluated: 2020-01-03. Review status: no assertion criteria provided. Collection method: clinical testing. Allele origin: germline. Not counted in ClinVar's aggregate classification.

NM_025215.6(PUS1):c.564C>T (p.Gly188=)

Gene: PUS1 (pseudouridine synthase 1; plus strand). Cytogenetic location: 12q24.33.
Variant type: single nucleotide variant.
Coding change: c.564C>T on transcript NM_025215.6 (MANE Select); coding-DNA position 564, C replaced by T.
Protein change: p.Gly188=; no amino-acid change (glycine 188 retained).
Molecular consequence: synonymous variant.
Genome position (GRCh38, 1-based): chr12:131,941,311, C>T. VCF-style: chr12-131941311-C-T. GRCh37 (hg19) VCF-style: chr12-132425856-C-T.
Other names: c.480C>T, p.Gly160= (NM_001002019.3, NM_001002020.3).
Identifiers: ClinVar variation 737073 (VCV000737073.37), dbSNP rs369250859, ClinGen allele CA6884193.